The following is an entry in ClinVar:

NM_006642.5(SDCCAG8):c.2032G>A (p.Val678Met)

Genes: AKT3 (AKT serine/threonine kinase 3; minus strand), SDCCAG8 (SHH signaling and ciliogenesis regulator SDCCAG8; plus strand). Cytogenetic location: 1q43.
Variant type: single nucleotide variant.
Coding change: c.2032G>A on transcript NM_006642.5 (MANE Select); coding-DNA position 2032, G replaced by A.
Protein change: p.Val678Met; replaces valine 678 with methionine.
Molecular consequence: missense variant. On other transcripts: intron variant (1).
Genome position (GRCh38, 1-based): chr1:243,489,060, G>A. VCF-style: chr1-243489060-G-A. GRCh37 (hg19) VCF-style: chr1-243652362-G-A.
Other names: c.1129G>A, p.Val377Met (NM_001350246.2, NM_001350247.2, NM_001350251.2); c.2128G>A, p.Val710Met (NM_001350248.2); c.1738G>A, p.Val580Met (NM_001350249.2); c.*7-610C>T (NM_181690.2); short protein forms V678M, V580M, V377M, V710M.
Identifiers: ClinVar variation 4998492 (VCV004998492.1).

ClinVar aggregate classification (germline): Uncertain significance (1 of 4 stars; one submission).

Conditions:
SDCCAG8-related disorder. Also called: SDCCAG8-Related Disorders; SDCCAG8-related condition.

gnomAD v4.1: 4 of 1,613,318 alleles (0.00025%); highest among the groups gnomAD compares: African/African-American, 0.0053%; no homozygotes.

Submission:

PreventionGenetics, part of Exact Sciences
Classification: Uncertain significance for SDCCAG8-related condition. Last evaluated: 2026-07-14. Review status: criteria provided, single submitter. Criteria: ACMG Guidelines, 2015. Collection method: clinical testing. Allele origin: germline.
Comment: The SDCCAG8 c.2032G>A variant is predicted to result in the amino acid substitution p.Val678Met. To our knowledge, this variant has not been reported in the literature. This variant is reported in 0.011% of alleles in individuals of African descent in gnomAD. At this time, the clinical significance of this variant is uncertain due to the absence of conclusive functional and genetic evidence.